The following is an entry in ClinVar:

ClinVar aggregate classification (germline): Pathogenic/Likely pathogenic. Review status: criteria provided, multiple submitters, no conflicts (2 of 4 stars). 2 submissions from 2 submitters: Pathogenic (1); Likely pathogenic (1). Last evaluated 2023-06-07.

Conditions:
Early-infantile DEE. Also called: Early infantile epileptic encephalopathy; Ohtahara syndrome; Early infantile epileptic encephalopathy with suppression bursts. Identifiers: Orphanet 1934, MedGen C0393706, MONDO:0800491.
SPTAN1-related disorder. Also called: SPTAN1-related disorders; SPTAN1-related condition.

Submissions (2):

PreventionGenetics, part of Exact Sciences
Classification: Likely pathogenic for SPTAN1-related condition. Last evaluated: 2023-06-07. Review status: criteria provided, single submitter. Criteria: ACMG Guidelines, 2015. Collection method: clinical testing. Allele origin: germline.
Comment: The SPTAN1 c.6019_6020delGA variant is predicted to result in premature protein termination (p.Asp2007*). To our knowledge, this variant has not been reported in the literature or in a large population database, indicating this variant is rare. Premature protein truncating variants in SPTAN1 are expected to be pathogenic. This variant is interpreted as likely pathogenic.

Labcorp Genetics (formerly Invitae), Labcorp
Classification: Pathogenic for Early-infantile DEE. Last evaluated: 2023-01-10. Review status: criteria provided, single submitter. Criteria: Invitae Variant Classification Sherloc (09022015). Collection method: clinical testing. Allele origin: germline.
Comment: This variant is not present in population databases (gnomAD no frequency). For these reasons, this variant has been classified as Pathogenic. This variant has not been reported in the literature in individuals affected with SPTAN1-related conditions. This sequence change creates a premature translational stop signal (p.Asp2007*) in the SPTAN1 gene. It is expected to result in an absent or disrupted protein product. Loss-of-function variants in SPTAN1 are known to be pathogenic (PMID: 31332438, 33206935).

Literature cited by the submitters: PubMed 31332438 (cited by Labcorp Genetics (formerly Invitae), Labcorp); PubMed 33206935 (cited by Labcorp Genetics (formerly Invitae), Labcorp).

NM_001130438.3(SPTAN1):c.6019_6020del (p.Thr2006_Asp2007insTer)

Gene: SPTAN1 (spectrin alpha, non-erythrocytic 1; plus strand). Cytogenetic location: 9q34.11.
Variant type: Deletion.
Coding change: c.6019_6020del on transcript NM_001130438.3 (MANE Select); coding-DNA positions 6019 to 6020, 2 bases deleted (GA; older notation c.6019_6020delGA).
Protein change: p.Thr2006_Asp2007insTer.
Molecular consequence: nonsense.
Genome position (GRCh38, 1-based): chr9:128,625,129-128,625,130, GA deleted; deleting any 2 consecutive bases within chr9:128,625,128-128,625,130 gives the same sequence; the c. name uses the placement nearest the transcript's 3' end. VCF-style (leftmost placement, unchanged base first): chr9-128625127-CAG-C. GRCh37 (hg19) VCF-style: chr9-131387406-CAG-C.
Other names: c.6019_6020delGA (NM_001130438.2); c.5944_5945del, p.Thr1981_Asp1982insTer (NM_001195532.2); c.6019_6020del, p.Thr2006_Asp2007insTer (NM_001363759.2, NM_001375310.1, NM_001375311.2 and 1 more transcripts); c.5959_5960del, p.Thr1986_Asp1987insTer (NM_001363765.2, NM_001375314.2); c.6055_6056del, p.Thr2018_Asp2019insTer (NM_001375312.2, NM_001375318.1); c.6004_6005del, p.Thr2001_Asp2002insTer (NM_003127.4).
Identifiers: ClinVar variation 2014801 (VCV002014801.5), dbSNP rs2542169047, ClinGen allele CA2580079770.